The following is an entry in ClinVar:

ClinVar aggregate classification (germline): Uncertain significance (1 of 4 stars; one submission).

Conditions:
Hyperekplexia 3 (HKPX3). Also called: HYPEREKPLEXIA 3, AUTOSOMAL RECESSIVE; HYPEREKPLEXIA 3, AUTOSOMAL DOMINANT. Identifiers: Orphanet 3197, MedGen C3553288, MONDO:0013827, OMIM 614618.

Allele frequency attached by ClinVar (database versions not stated): gnomAD exomes below 0.00001.
gnomAD v4.1: 1 of 1,614,180 alleles (0.000062%); highest among the groups gnomAD compares: Non-Finnish European, 0.000085%; no homozygotes.

Submission:

Labcorp Genetics (formerly Invitae), Labcorp
Classification: Uncertain significance for Hyperekplexia 3. Last evaluated: 2022-02-03. Review status: criteria provided, single submitter. Criteria: Invitae Variant Classification Sherloc (09022015). Collection method: clinical testing. Allele origin: germline.
Comment: This sequence change replaces cysteine, which is neutral and slightly polar, with serine, which is neutral and polar, at codon 724 of the SLC6A5 protein (p.Cys724Ser). This variant is not present in population databases (gnomAD no frequency). This variant has not been reported in the literature in individuals affected with SLC6A5-related conditions. Advanced modeling of protein sequence and biophysical properties (such as structural, functional, and spatial information, amino acid conservation, physicochemical variation, residue mobility, and thermodynamic stability) performed at Invitae indicates that this missense variant is not expected to disrupt SLC6A5 protein function. Algorithms developed to predict the effect of sequence changes on RNA splicing suggest that this variant may create or strengthen a splice site. In summary, the available evidence is currently insufficient to determine the role of this variant in disease. Therefore, it has been classified as a Variant of Uncertain Significance.

NM_004211.5(SLC6A5):c.2170T>A (p.Cys724Ser)

Gene: SLC6A5 (solute carrier family 6 member 5; plus strand). Cytogenetic location: 11p15.1.
Variant type: single nucleotide variant.
Coding change: c.2170T>A on transcript NM_004211.5 (MANE Select); coding-DNA position 2170, T replaced by A.
Protein change: p.Cys724Ser; replaces cysteine 724 with serine.
Molecular consequence: missense variant.
Genome position (GRCh38, 1-based): chr11:20,652,388, T>A. VCF-style: chr11-20652388-T-A. GRCh37 (hg19) VCF-style: chr11-20673934-T-A.
Other names: c.1468T>A, p.Cys490Ser (NM_001318369.2); short protein forms C724S, C490S.
Identifiers: ClinVar variation 1498412 (VCV001498412.5), dbSNP rs2133825147, ClinGen allele CA379916075.